The following is an entry in ClinVar:

ClinVar aggregate classification (germline): Uncertain significance. Review status: criteria provided, multiple submitters, no conflicts (2 of 4 stars). 4 submissions from 4 submitters: Uncertain significance (4). Last evaluated 2025-03-20.

Conditions:
Hereditary nonpolyposis colorectal neoplasms. Identifiers: MedGen C0009405, MeSH D003123.
Hereditary cancer-predisposing syndrome. Also called: Tumor predisposition; Hereditary neoplastic syndrome; Hereditary Cancer Syndrome; Neoplastic Syndromes, Hereditary. Identifiers: Orphanet 140162, MedGen C0027672, MeSH D009386, MONDO:0015356.
Lynch syndrome. Identifiers: Orphanet 144, MedGen C4552100, MONDO:0005835. Disease mechanism: loss of function.

Submissions (4):

GeneDx
Classification: Uncertain significance. Last evaluated: 2025-03-20. Review status: criteria provided, single submitter. Criteria: GeneDx Variant Classification Process June 2021. Collection method: clinical testing. Allele origin: germline. Affected: yes.
Comment: Not observed at significant frequency in large population cohorts (gnomAD); In silico analysis supports that this missense variant has a deleterious effect on protein structure/function; Has not been previously published as pathogenic or benign to our knowledge; This variant is associated with the following publications: (PMID: 17531815, 21120944)

Labcorp Genetics (formerly Invitae), Labcorp
Classification: Uncertain significance for Hereditary nonpolyposis colorectal neoplasms. Last evaluated: 2024-04-10. Review status: criteria provided, single submitter. Criteria: Invitae Variant Classification Sherloc (09022015). Collection method: clinical testing. Allele origin: germline.
Comment: This sequence change replaces glutamic acid, which is acidic and polar, with lysine, which is basic and polar, at codon 446 of the MSH6 protein (p.Glu446Lys). This variant is not present in population databases (gnomAD no frequency). This variant has not been reported in the literature in individuals affected with MSH6-related conditions. ClinVar contains an entry for this variant (Variation ID: 935156). Advanced modeling of protein sequence and biophysical properties (such as structural, functional, and spatial information, amino acid conservation, physicochemical variation, residue mobility, and thermodynamic stability) performed at Invitae indicates that this missense variant is not expected to disrupt MSH6 protein function with a negative predictive value of 95%. In summary, the available evidence is currently insufficient to determine the role of this variant in disease. Therefore, it has been classified as a Variant of Uncertain Significance.

All of Us Research Program, National Institutes of Health
Classification: Uncertain significance for Lynch syndrome. Last evaluated: 2023-11-30. Review status: criteria provided, single submitter. Criteria: ACMG Guidelines, 2015. Collection method: clinical testing. Allele origin: germline. Inheritance: Autosomal dominant inheritance. Observed: 1 variant allele, 1 heterozygote.
Comment: This missense variant replaces glutamic acid with lysine at codon 446 of the MSH6 protein. Computational prediction is inconclusive regarding the impact of this variant on protein structure and function (internally defined REVEL score threshold 0.5 < inconclusive < 0.7, PMID: 27666373). Splice site prediction tools suggest that this variant may not impact RNA splicing. To our knowledge, functional studies have not been performed for this variant. This variant has not been reported in individuals affected with hereditary cancer in the literature. This variant has not been identified in the general population by the Genome Aggregation Database (gnomAD). The available evidence is insufficient to determine the role of this variant in disease conclusively. Therefore, this variant is classified as a Variant of Uncertain Significance.

This study involves interpretation of variants in research participants for the purpose of population health screening. Participant phenotype was not available at the time of variant classification. Additional details can be found in publication PMID: 35346344, PMCID: PMC8962531

Ambry Genetics
Classification: Uncertain significance for Hereditary cancer-predisposing syndrome. Last evaluated: 2023-05-23. Review status: criteria provided, single submitter. Criteria: Ambry Variant Classification Scheme 2023. Collection method: clinical testing. Allele origin: germline.
Comment: The p.E446K variant (also known as c.1336G>A), located in coding exon 4 of the MSH6 gene, results from a G to A substitution at nucleotide position 1336. The glutamic acid at codon 446 is replaced by lysine, an amino acid with similar properties. This amino acid position is highly conserved in available vertebrate species. In addition, the in silico prediction for this alteration is inconclusive. Since supporting evidence is limited at this time, the clinical significance of this alteration remains unclear.

NM_000179.3(MSH6):c.1336G>A (p.Glu446Lys)

Gene: MSH6 (mutS homolog 6; plus strand). Cytogenetic location: 2p16.3.
Variant type: single nucleotide variant.
Coding change: c.1336G>A on transcript NM_000179.3 (MANE Select); coding-DNA position 1336, G replaced by A.
Protein change: p.Glu446Lys; replaces glutamic acid 446 with lysine.
Molecular consequence: missense variant.
Genome position (GRCh38, 1-based): chr2:47,799,319, G>A. VCF-style: chr2-47799319-G-A. GRCh37 (hg19) VCF-style: chr2-48026458-G-A.
Other names: c.946G>A, p.Glu316Lys (NM_001281492.2); c.430G>A, p.Glu144Lys (NM_001281493.2, NM_001281494.2); short protein forms E144K, E446K, E316K.
Identifiers: ClinVar variation 935156 (VCV000935156.15), dbSNP rs1669321230, ClinGen allele CA346744558.